The following is an entry in ClinVar:

ClinVar aggregate classification (germline): Uncertain significance (1 of 4 stars; one submission).

Submission:

GeneDx
Classification: Uncertain significance. Last evaluated: 2023-05-01. Review status: criteria provided, single submitter. Criteria: GeneDx Variant Classification Process June 2021. Collection method: clinical testing. Allele origin: germline. Affected: yes.
Comment: Not observed at significant frequency in large population cohorts (gnomAD); In silico analysis supports that this missense variant does not alter protein structure/function; Has not been previously published as pathogenic or benign to our knowledge

NM_002693.3(POLG):c.3660T>G (p.Ile1220Met)

Genes: FANCI (FA complementation group I; plus strand), POLG (DNA polymerase gamma, catalytic subunit; minus strand). Cytogenetic location: 15q26.1.
Variant type: single nucleotide variant.
Coding change: c.3660T>G on transcript NM_002693.3 (MANE Select); coding-DNA position 3660, T replaced by G.
Protein change: p.Ile1220Met; replaces isoleucine 1220 with methionine.
Molecular consequence: missense variant. On other transcripts: 3 prime UTR variant (4).
Genome position (GRCh38, 1-based): chr15:89,316,811, A>C on the plus strand (T>G on the coding strand, the complement: POLG is on the minus strand). VCF-style: chr15-89316811-A-C. GRCh37 (hg19) VCF-style: chr15-89860042-A-C.
Other names: c.3660T>G, p.Ile1220Met (NM_001126131.2); c.*352A>C (NM_001113378.2, NM_001376910.1, NM_001376911.1 and 1 more transcripts); short protein forms I1220M.
Identifiers: ClinVar variation 3343179 (VCV003343179.1).
Genomic context (GRCh38, chr15:89,316,811, plus strand): 5'-CTATGGTCCAGGCTGGCTTCGTTTTTCCAAGGAGCCTTTGGTGAGTTCAATTATCTGGTA[A>C]ATATCCAGCGCTTCACCTGAAAGATAGTGCAAATTGGTTAGGATGCCACCTCAAGAACTG-3'
Protein context (NP_002684.1, residues 1210-1230): YGIPQGEALD[Ile1220Met]YQIIELTKGS